The following is an entry in ClinVar:

ClinVar aggregate classification (germline): Pathogenic (1 of 4 stars; one submission).

Conditions:
Hereditary cancer-predisposing syndrome. Also called: Neoplastic Syndromes, Hereditary; Tumor predisposition; Hereditary Cancer Syndrome; Hereditary neoplastic syndrome. Identifiers: Orphanet 140162, MedGen C0027672, MeSH D009386, MONDO:0015356.

Submission:

Ambry Genetics
Classification: Pathogenic for Hereditary cancer-predisposing syndrome. Last evaluated: 2024-06-27. Review status: criteria provided, single submitter. Criteria: Ambry Variant Classification Scheme 2023. Collection method: clinical testing. Allele origin: germline.
Comment: The c.401dupG pathogenic mutation, located in coding exon 3 of the PTCH1 gene, results from a duplication of G at nucleotide position 401, causing a translational frameshift with a predicted alternate stop codon (p.R135Tfs*5). This variant is considered to be rare based on population cohorts in the Genome Aggregation Database (gnomAD). This alteration is expected to result in loss of function by premature protein truncation or nonsense-mediated mRNA decay. As such, this alteration is interpreted as a disease-causing mutation.

NM_000264.5(PTCH1):c.401dup (p.Arg135fs)

Gene: PTCH1 (patched 1; minus strand). Cytogenetic location: 9q22.32.
Variant type: Duplication.
Coding change: c.401dup on transcript NM_000264.5 (MANE Select); coding-DNA position 401, one base duplicated (G; older notation c.401dupG).
Protein change: p.Arg135fs; shifts the reading frame from arginine 135.
Molecular consequence: frameshift variant. On other transcripts: 5 prime UTR variant (4), non-coding transcript variant (1).
Genome position (GRCh38, 1-based): chr9:95,485,868, C duplicated on the plus strand (G on the coding strand, the reverse complement: PTCH1 is on the minus strand); the first of 2 consecutive C bases (chr9:95,485,868-95,485,869); duplicating either gives the same sequence. VCF-style (leftmost placement, unchanged base first): chr9-95485867-T-TC. GRCh37 (hg19) VCF-style: chr9-98248149-T-TC.
Other names: c.401dupG (NM_000264.3); c.203dup, p.Arg69fs (NM_001083602.3, NM_001354919.2); c.398dup, p.Arg134fs (NM_001083603.3); c.-53dup (NM_001083604.3, NM_001083605.3, NM_001083606.3 and 1 more transcripts); c.401dup, p.Arg135fs (NM_001354918.2); short protein forms R135fs, R69fs, R134fs.
Identifiers: ClinVar variation 3427227 (VCV003427227.1).
Genomic context (GRCh38, chr9:95,485,867, plus strand): 5'-ATTAAACATAGCCTCTTCTCCAATCTTCTGGCGAGTATAATTTAATTCACGACTTACTCG[T>TC]CCTCCAACTGACAAATATGTACAGGTTTAATTAGAATAGCAAAATCACTGCAAACTCATG-3'